The following is an entry in ClinVar:

NM_178135.5(HSD17B13):c.778C>T (p.Pro260Ser)

Gene: HSD17B13 (hydroxysteroid 17-beta dehydrogenase 13; minus strand). Cytogenetic location: 4q22.1.
Variant type: single nucleotide variant.
Coding change: c.778C>T on transcript NM_178135.5 (MANE Select); coding-DNA position 778, C replaced by T.
Protein change: p.Pro260Ser; replaces proline 260 with serine.
Molecular consequence: missense variant.
Genome position (GRCh38, 1-based): chr4:87,310,277, G>A on the plus strand (C>T on the coding strand, the complement: HSD17B13 is on the minus strand). VCF-style: chr4-87310277-G-A. GRCh37 (hg19) VCF-style: chr4-88231429-G-A.
Other names: c.670C>T, p.Pro224Ser (NM_001136230.3); short protein forms P224S, P260S.
Identifiers: ClinVar variation 1273874 (VCV001273874.2), dbSNP rs62305723, ClinGen allele CA2999466.

ClinVar aggregate classification (germline): Benign. Review status: criteria provided, multiple submitters, no conflicts (2 of 4 stars). 2 submissions from 2 submitters: Benign (2). Last evaluated 2020-10-29.

Allele frequency attached by ClinVar (database versions not stated): ESP Exome Variant Server 0.04799; gnomAD exomes 0.05842 and 0.04726; 1000 Genomes Project 0.02216; 1000 Genomes Project 30x 0.02249; gnomAD 0.04387 and 0.04518; TOPMed 0.04453; ExAC 0.04755.
gnomAD v4.1: 90,342 of 1,579,316 alleles (5.7%); highest among the groups gnomAD compares: Non-Finnish European, 6.4%; 2,998 homozygotes.

Submissions (2):

GeneDx
Classification: Benign. Last evaluated: 2020-10-29. Review status: criteria provided, single submitter. Criteria: GeneDx Variant Classification Process June 2021. Collection method: clinical testing. Allele origin: germline. Affected: yes.
Comment: This variant is associated with the following publications: (PMID: 30415504)

Breakthrough Genomics
Classification: Benign. Review status: criteria provided, single submitter. Criteria: ACMG Guidelines, 2015. Collection method: not provided. Allele origin: germline. Inheritance: Autosomal dominant inheritance. Affected: yes.